The following is an entry in ClinVar:

ClinVar aggregate classification (germline): Pathogenic (1 of 4 stars; one submission).

Conditions:
Inborn genetic diseases. Identifiers: MedGen C0950123, MeSH D030342.

Allele frequency attached by ClinVar (database versions not stated): gnomAD exomes below 0.00001.

Submission:

Ambry Genetics
Classification: Pathogenic for Inborn genetic diseases. Last evaluated: 2022-09-09. Review status: criteria provided, single submitter. Criteria: Ambry Variant Classification Scheme 2023. Collection method: clinical testing. Allele origin: germline.
Comment: The c.863_870dupGTTATGAT (p.R291Vfs*60) alteration, located in exon 8 (coding exon 7) of the B4GALNT1 gene, consists of a duplication of GTTATGAT at position 863, causing a translational frameshift with a predicted alternate stop codon after 60 amino acids. This alteration is expected to result in loss of function by premature protein truncation or nonsense-mediated mRNA decay. This variant was not reported in population-based cohorts in the Genome Aggregation Database (gnomAD). Based on the available evidence, this alteration is classified as pathogenic.

NM_001478.5(B4GALNT1):c.863_870dup (p.Arg291fs)

Gene: B4GALNT1 (beta-1,4-N-acetyl-galactosaminyltransferase 1; minus strand). Cytogenetic location: 12q13.3.
Variant type: Duplication.
Coding change: c.863_870dup on transcript NM_001478.5 (MANE Select); coding-DNA positions 863 to 870, 8 bases duplicated (GTTATGAT; older notation c.863_870dupGTTATGAT).
Protein change: p.Arg291fs; shifts the reading frame from arginine 291.
Molecular consequence: frameshift variant.
Genome position (GRCh38, 1-based): chr12:57,628,845-57,628,852, ATCATAAC duplicated on the plus strand (GTTATGAT on the coding strand, the reverse complement: B4GALNT1 is on the minus strand). VCF-style (leftmost placement, unchanged base first): chr12-57628844-G-GATCATAAC. GRCh37 (hg19) VCF-style: chr12-58022627-G-GATCATAAC.
Other names: c.698_705dup, p.Arg236fs (NM_001276468.2); c.863_870dup, p.Arg291Valfs (NM_001413967.1, NM_001413968.1, NM_001413969.1 and 7 more transcripts); c.764_771dup, p.Arg258Valfs (NM_001413977.1); c.698_705dup, p.Arg236Valfs (NM_001413978.1); c.-125_-118dup (NM_001413981.1, NM_001413982.1, NM_001413983.1 and 1 more transcripts); short protein forms R236fs, R291fs.
Identifiers: ClinVar variation 2304141 (VCV002304141.2), dbSNP rs2540658466, ClinGen allele CA2575205041.